The following is an entry in ClinVar:

NM_000278.5(PAX2):c.178G>T (p.Val60Phe)

Gene: PAX2 (paired box 2; plus strand). Cytogenetic location: 10q24.31.
Variant type: single nucleotide variant.
Coding change: c.178G>T on transcript NM_000278.5 (MANE Select); coding-DNA position 178, G replaced by T.
Protein change: p.Val60Phe; replaces valine 60 with phenylalanine.
Molecular consequence: missense variant.
Genome position (GRCh38, 1-based): chr10:100,749,880, G>T. VCF-style: chr10-100749880-G-T. GRCh37 (hg19) VCF-style: chr10-102509637-G-T.
Other names: c.271G>T, p.Val91Phe (NM_001304569.2); c.178G>T, p.Val60Phe (NM_003987.5, NM_003988.5, NM_003989.5 and 1 more transcripts); short protein forms V91F, V60F.
Identifiers: ClinVar variation 4795491 (VCV004795491.1).

ClinVar aggregate classification (germline): Uncertain significance (1 of 4 stars; one submission).

Submission:

GeneDx
Classification: Uncertain significance. Last evaluated: 2025-08-12. Review status: criteria provided, single submitter. Criteria: GeneDx Variant Classification Process June 2021. Collection method: clinical testing. Allele origin: germline. Affected: yes.
Comment: Not observed at significant frequency in large population cohorts (gnomAD); In silico analysis supports that this missense variant has a deleterious effect on protein structure/function; Has not been previously published as pathogenic or benign to our knowledge.